The following is an entry in ClinVar:

NM_032383.5(HPS3):c.1823T>C (p.Phe608Ser)

Gene: HPS3 (HPS3 biogenesis of lysosomal organelles complex 2 subunit 1; plus strand). Cytogenetic location: 3q24.
Variant type: single nucleotide variant.
Coding change: c.1823T>C on transcript NM_032383.5 (MANE Select); coding-DNA position 1823, T replaced by C.
Protein change: p.Phe608Ser; replaces phenylalanine 608 with serine.
Molecular consequence: missense variant.
Genome position (GRCh38, 1-based): chr3:149,158,797, T>C. VCF-style: chr3-149158797-T-C. GRCh37 (hg19) VCF-style: chr3-148876584-T-C.
Other names: c.1328T>C, p.Phe443Ser (NM_001308258.2); c.1823T>C (NM_032383.3); short protein forms F443S, F608S.
Identifiers: ClinVar variation 2179851 (VCV002179851.3), dbSNP rs766616358, ClinGen allele CA2660189.

ClinVar aggregate classification (germline): Uncertain significance. Review status: criteria provided, multiple submitters, no conflicts (2 of 4 stars). 2 submissions from 2 submitters: Uncertain significance (2). Last evaluated 2023-07-25.

Conditions:
Inborn genetic diseases. Identifiers: MedGen C0950123, MeSH D030342.

Allele frequency attached by ClinVar (database versions not stated): gnomAD exomes 0.00001; TOPMed 0.00001; ExAC 0.00007.
gnomAD v4.1: 12 of 1,605,994 alleles (0.00075%); highest among the groups gnomAD compares: Admixed American, 0.02%; no homozygotes.

Submissions (2):

Ambry Genetics
Classification: Uncertain significance for Inborn genetic diseases. Last evaluated: 2023-07-25. Review status: criteria provided, single submitter. Criteria: Ambry Variant Classification Scheme 2023. Collection method: clinical testing. Allele origin: germline.

Labcorp Genetics (formerly Invitae), Labcorp
Classification: Uncertain significance. Last evaluated: 2022-06-15. Review status: criteria provided, single submitter. Criteria: Invitae Variant Classification Sherloc (09022015). Collection method: clinical testing. Allele origin: germline.
Comment: This sequence change replaces phenylalanine, which is neutral and non-polar, with serine, which is neutral and polar, at codon 608 of the HPS3 protein (p.Phe608Ser). This variant is present in population databases (rs766616358, gnomAD 0.04%). This variant has not been reported in the literature in individuals affected with HPS3-related conditions. Algorithms developed to predict the effect of missense changes on protein structure and function are either unavailable or do not agree on the potential impact of this missense change (SIFT: "Deleterious"; PolyPhen-2: "Probably Damaging"; Align-GVGD: "Class C0"). In summary, the available evidence is currently insufficient to determine the role of this variant in disease. Therefore, it has been classified as a Variant of Uncertain Significance.